The following is an entry in ClinVar:

ClinVar aggregate classification (germline): Uncertain significance (1 of 4 stars; one submission).

Conditions:
Familial melanoma. Also called: Hereditary melanoma; Hereditary cutaneous melanoma. Identifiers: Orphanet 618, MedGen C1512419, MONDO:0018961.

Submission:

Labcorp Genetics (formerly Invitae), Labcorp
Classification: Uncertain significance for Familial melanoma. Last evaluated: 2023-11-28. Review status: criteria provided, single submitter. Criteria: Invitae Variant Classification Sherloc (09022015). Collection method: clinical testing. Allele origin: germline.
Comment: This sequence change replaces glutamine, which is neutral and polar, with lysine, which is basic and polar, at codon 222 of the CDK4 protein (p.Gln222Lys). This variant is not present in population databases (gnomAD no frequency). This variant has not been reported in the literature in individuals affected with CDK4-related conditions. Advanced modeling of protein sequence and biophysical properties (such as structural, functional, and spatial information, amino acid conservation, physicochemical variation, residue mobility, and thermodynamic stability) performed at Invitae indicates that this missense variant is expected to disrupt CDK4 protein function with a positive predictive value of 95%. In summary, the available evidence is currently insufficient to determine the role of this variant in disease. Therefore, it has been classified as a Variant of Uncertain Significance.

NM_000075.4(CDK4):c.664C>A (p.Gln222Lys)

Genes: CDK4 (cyclin dependent kinase 4; minus strand), TSPAN31 (tetraspanin 31; plus strand). Cytogenetic location: 12q14.1.
Variant type: single nucleotide variant.
Coding change: c.664C>A on transcript NM_000075.4 (MANE Select); coding-DNA position 664, C replaced by A.
Protein change: p.Gln222Lys; replaces glutamine 222 with lysine.
Molecular consequence: missense variant. On other transcripts: 3 prime UTR variant (3).
Genome position (GRCh38, 1-based): chr12:57,749,473, G>T on the plus strand (C>A on the coding strand, the complement: CDK4 is on the minus strand). VCF-style: chr12-57749473-G-T. GRCh37 (hg19) VCF-style: chr12-58143256-G-T.
Other names: c.*2183G>T (NM_001330168.2, NM_001330169.2, NM_005981.5); short protein forms Q222K.
Identifiers: ClinVar variation 2761613 (VCV002761613.3), dbSNP rs1955205842, ClinGen allele CA385544011.
Genomic context (GRCh38, chr12:57,749,473, plus strand): 5'-CTCAGAATAGAAAATCTTTTTCTCCCATGTTGGTCACTTACTCAAAGATTTTGCCCAACT[G>T]GTCGGCTTCAGAGTTTCCACAGAAGAGAGGCCTAAGGTGAGAAGGGATATAAGGTAGCAG-3'
Protein context (NP_000066.1, residues 212-232): PLFCGNSEAD[Gln222Lys]LGKIFDLIGL